The following is an entry in ClinVar:

NM_001365951.3(KIF1B):c.4544G>A (p.Arg1515His)

Gene: KIF1B (kinesin family member 1B; plus strand). Cytogenetic location: 1p36.22.
Variant type: single nucleotide variant.
Coding change: c.4544G>A on transcript NM_001365951.3 (MANE Select); coding-DNA position 4544, G replaced by A.
Protein change: p.Arg1515His; replaces arginine 1515 with histidine.
Molecular consequence: missense variant.
Genome position (GRCh38, 1-based): chr1:10,365,440, G>A. VCF-style: chr1-10365440-G-A. GRCh37 (hg19) VCF-style: chr1-10425498-G-A.
Other names: c.4544G>A, p.Arg1515His (NM_001365952.1); c.4406G>A, p.Arg1469His (NM_015074.3); short protein forms R1469H, R1515H.
Identifiers: ClinVar variation 875168 (VCV000875168.15), dbSNP rs375130478, ClinGen allele CA582121.
Genomic context (GRCh38, chr1:10,365,440, plus strand): 5'-TGCTATAGCAGTAGTATTGATCTTCTCAGGTGGAAAAAACCCGCCACTTTTTGCTGCTGC[G>A]TGAGAGACTTGGTGACAGCATCCCCAAATCCCTGAGCGACTCGTTATCCCCCAGCCTCAG-3'
Protein context (NP_001352880.1, residues 1505-1525): VEKTRHFLLL[Arg1515His]ERLGDSIPKS

ClinVar aggregate classification (germline): Conflicting classifications of pathogenicity. Review status: criteria provided, conflicting classifications (1 of 4 stars). 3 submissions from 3 submitters: Uncertain significance (2); Likely benign (1). Last evaluated 2025-10-29.

Conditions:
Charcot-Marie-Tooth disease type 2. Also called: Charcot-Marie-Tooth type 2. Identifiers: Orphanet 64746, MedGen C0270914, MONDO:0018993.
Neuroblastoma (NB). Identifiers: Orphanet 635, MedGen C0027819, MeSH D009447, MONDO:0005072, HP:0003006.

Allele frequency attached by ClinVar (database versions not stated): ExAC 0.00002; ESP Exome Variant Server 0.00008; gnomAD exomes 0.00001; TOPMed 0.00002.
gnomAD v4.1: 18 of 1,614,024 alleles (0.0011%); highest among the groups gnomAD compares: African/African-American, 0.0053%; no homozygotes.

Submissions (3):

Ambry Genetics
Classification: Uncertain significance. Last evaluated: 2025-10-29. Review status: criteria provided, single submitter. Criteria: Ambry Variant Classification Scheme 2023. Collection method: clinical testing. Allele origin: germline.

Labcorp Genetics (formerly Invitae), Labcorp
Classification: Uncertain significance for Charcot-Marie-Tooth disease type 2. Last evaluated: 2025-06-17. Review status: criteria provided, single submitter. Criteria: Invitae Variant Classification Sherloc (09022015). Collection method: clinical testing. Allele origin: germline.
Comment: This sequence change replaces arginine, which is basic and polar, with histidine, which is basic and polar, at codon 1469 of the KIF1B protein (p.Arg1469His). This variant is present in population databases (rs375130478, gnomAD 0.01%). This variant has not been reported in the literature in individuals affected with KIF1B-related conditions. ClinVar contains an entry for this variant (Variation ID: 875168). An algorithm developed to predict the effect of missense changes on protein structure and function (PolyPhen-2) suggests that this variant is likely to be disruptive. In summary, the available evidence is currently insufficient to determine the role of this variant in disease. Therefore, it has been classified as a Variant of Uncertain Significance.

Illumina Laboratory Services, Illumina
Classification: Likely benign for Neuroblastoma. Last evaluated: 2018-01-13. Review status: criteria provided, single submitter. Criteria: ICSL Variant Classification Criteria 13 December 2019. Collection method: clinical testing. Allele origin: germline.
Comment: This variant was observed in the ICSL laboratory as part of a predisposition screen in an ostensibly healthy population. It had not been previously curated by ICSL or reported in the Human Gene Mutation Database (HGMD: prior to June 1st, 2018), and was therefore a candidate for classification through an automated scoring system. Utilizing variant allele frequency, disease prevalence and penetrance estimates, and inheritance mode, an automated score was calculated to assess if this variant is too frequent to cause the disease. Based on the score and internal cut-off values, a variant classified as likely benign is not then subjected to further curation. The score for this variant resulted in a classification of likely benign for this disease.